The following is an entry in ClinVar:

NM_000257.4(MYH7):c.1349A>G (p.Lys450Arg)

Gene: MYH7 (myosin heavy chain 7; minus strand). Cytogenetic location: 14q11.2.
Variant type: single nucleotide variant.
Coding change: c.1349A>G on transcript NM_000257.4 (MANE Select); coding-DNA position 1349, A replaced by G.
Protein change: p.Lys450Arg; replaces lysine 450 with arginine.
Molecular consequence: missense variant.
Genome position (GRCh38, 1-based): chr14:23,429,013, T>C on the plus strand (A>G on the coding strand, the complement: MYH7 is on the minus strand). VCF-style: chr14-23429013-T-C. GRCh37 (hg19) VCF-style: chr14-23898222-T-C.
Other names: c.1349A>G, p.Lys450Arg (NM_001407004.1); short protein forms K450R.
Identifiers: ClinVar variation 1770539 (VCV001770539.4), dbSNP rs1352198296, ClinGen allele CA389050812.
Genomic context (GRCh38, chr14:23,429,013, plus strand): 5'-ACATCGAAGATCTCGAAGCCAGCGATGTCCAGGACTCCTATGAAGTACTGGCGTGGCTGC[T>C]TGGTCTCCAGGGTGGCATTGATGCGCGTCACCATCCAGTTGAACATCCTCTCATACACTG-3'
Protein context (NP_000248.2, residues 440-460): VTRINATLET[Lys450Arg]QPRQYFIGVL

ClinVar aggregate classification (germline): Uncertain significance. Review status: criteria provided, multiple submitters, no conflicts (2 of 4 stars). 3 submissions from 3 submitters: Uncertain significance (3). Last evaluated 2023-05-08.

Conditions:
Cardiomyopathy (CMYO). Also called: Cardiomyopathies. Identifiers: Orphanet 167848, MedGen C0878544, MONDO:0004994, HP:0001638. Inheritance: Various modes of inheritance.
Cardiovascular phenotype. Identifiers: MedGen CN230736.

Allele frequency attached by ClinVar (database versions not stated): TOPMed below 0.00001.

Submissions (3):

All of Us Research Program, National Institutes of Health
Classification: Uncertain significance for Cardiomyopathy. Last evaluated: 2023-05-08. Review status: criteria provided, single submitter. Criteria: ACMG Guidelines, 2015. Collection method: clinical testing. Allele origin: germline. Inheritance: Autosomal dominant inheritance. Observed: 1 variant allele, 1 heterozygote.
Comment: This study involves interpretation of variants in research participants for the purpose of population health screening. Participant phenotype was not available at the time of variant classification. Additional details can be found in publication PMID: 35346344, PMCID: PMC8962531

Ambry Genetics
Classification: Uncertain significance for Cardiovascular phenotype. Last evaluated: 2019-08-06. Review status: criteria provided, single submitter. Criteria: Ambry Variant Classification Scheme 2023. Collection method: clinical testing. Allele origin: germline.
Comment: The p.K450R variant (also known as c.1349A>G), located in coding exon 12 of the MYH7 gene, results from an A to G substitution at nucleotide position 1349. The lysine at codon 450 is replaced by arginine, an amino acid with highly similar properties, and is located in the head domain. Other variants affecting this codon (K450E, c.1348A>G and K450T, c.1349A>C) have been reported in association with hypertrophic cardiomyopathy (Arbustini E et al. Heart, 1998 Dec;80:548-58; Song L et al. Clin. Chim. Acta, 2005 Jan;351:209-16). This amino acid position is well conserved in available vertebrate species; however, arginine is the reference amino acid in other vertebrate species. In addition, this alteration is predicted to be tolerated by in silico analysis. Since supporting evidence is limited at this time, the clinical significance of this alteration remains unclear.

Blueprint Genetics
Classification: Uncertain significance. Last evaluated: 2018-08-17. Review status: criteria provided, single submitter. Criteria: ACMG Guidelines, 2015. Collection method: clinical testing. Allele origin: germline.

Literature cited by the submitters: PubMed 10065021 (cited by Ambry Genetics); PubMed 15563892 (cited by Ambry Genetics); PubMed 28822653 (cited by Ambry Genetics).